The following is an entry in ClinVar:

NM_000320.3(QDPR):c.35G>A (p.Arg12Gln)

Genes: QDPR (quinoid dihydropteridine reductase; minus strand), LOC129992304 (ATAC-STARR-seq lymphoblastoid silent region 15310; plus strand). Cytogenetic location: 4p15.32.
Variant type: single nucleotide variant.
Coding change: c.35G>A on transcript NM_000320.3 (MANE Select); coding-DNA position 35, G replaced by A.
Protein change: p.Arg12Gln; replaces arginine 12 with glutamine.
Molecular consequence: missense variant. On other transcripts: non-coding transcript variant (1).
Genome position (GRCh38, 1-based): chr4:17,512,020, C>T on the plus strand (G>A on the coding strand, the complement: QDPR is on the minus strand). VCF-style: chr4-17512020-C-T. GRCh37 (hg19) VCF-style: chr4-17513643-C-T.
Other names: c.35G>A, p.Arg12Gln (NM_001306140.2); short protein forms R12Q.
Identifiers: ClinVar variation 1522142 (VCV001522142.8), dbSNP rs780483113, ClinGen allele CA2868254.

ClinVar aggregate classification (germline): Uncertain significance (1 of 4 stars; one submission).

Conditions:
Dihydropteridine reductase deficiency (HPABH4C). Also called: BH4-Deficient Hyperphenylalaninemia C; HYPERPHENYLALANINEMIA, TETRAHYDROBIOPTERIN-DEFICIENT, DUE TO DHPR DEFICIENCY; QDPR DEFICIENCY; QUINOID DIHYDROPTERIDINE REDUCTASE DEFICIENCY; Phenylketonuria II; Hyperphenylalaninemia due to dihydropteridine reductase deficiency. Identifiers: Orphanet 226, Orphanet 238583, MedGen C0268465, MONDO:0009862, OMIM 261630.

Allele frequency attached by ClinVar (database versions not stated): gnomAD exomes 0.00001 and 0.00003; ExAC 0.00007.
gnomAD v4.1: 10 of 1,606,750 alleles (0.00062%); highest among the groups gnomAD compares: Non-Finnish European, 0.00076%; no homozygotes.

Submission:

Labcorp Genetics (formerly Invitae), Labcorp
Classification: Uncertain significance for Dihydropteridine reductase deficiency. Last evaluated: 2022-02-03. Review status: criteria provided, single submitter. Criteria: Invitae Variant Classification Sherloc (09022015). Collection method: clinical testing. Allele origin: germline.
Comment: In summary, the available evidence is currently insufficient to determine the role of this variant in disease. Therefore, it has been classified as a Variant of Uncertain Significance. Algorithms developed to predict the effect of missense changes on protein structure and function are either unavailable or do not agree on the potential impact of this missense change (SIFT: "Deleterious"; PolyPhen-2: "Possibly Damaging"; Align-GVGD: "Class C0"). This variant has not been reported in the literature in individuals affected with QDPR-related conditions. This variant is present in population databases (rs780483113, gnomAD 0.006%). This sequence change replaces arginine, which is basic and polar, with glutamine, which is neutral and polar, at codon 12 of the QDPR protein (p.Arg12Gln).